The following is an entry in ClinVar:

NM_000059.4(BRCA2):c.4380_4381del (p.Ser1461fs)

Gene: BRCA2 (BRCA2 DNA repair associated; plus strand). Cytogenetic location: 13q13.1.
Variant type: Deletion.
Coding change: c.4380_4381del on transcript NM_000059.4 (MANE Select); coding-DNA positions 4380 to 4381, 2 bases deleted (TT; older notation c.4380_4381delTT).
Protein change: p.Ser1461fs; shifts the reading frame from serine 1461.
Molecular consequence: frameshift variant.
Genome position (GRCh38, 1-based): chr13:32,338,735-32,338,736, TT deleted; deleting any 2 consecutive bases within chr13:32,338,733-32,338,736 gives the same sequence; the c. name uses the placement nearest the transcript's 3' end. VCF-style (leftmost placement, unchanged base first): chr13-32338732-CTT-C. GRCh37 (hg19) VCF-style: chr13-32912869-CTT-C.
Other names: 4606delTT; c.4380_4381delTT (NM_000059.3).
Identifiers: ClinVar variation 51638 (VCV000051638.23), dbSNP rs397507715, ClinGen allele CA020074.
Genomic context (GRCh38, chr13:32,338,732, plus strand): 5'-CAAAGAGTCATTTAATAAAATTGTAAATTTCTTTGATCAGAAACCAGAAGAATTGCATAA[CTT>C]TTCCTTAAATTCTGAATTACATTCTGACATAAGAAAGAACAAAATGGACATTCTAAGTTA-3'

ClinVar aggregate classification (germline): Pathogenic. Review status: reviewed by expert panel (3 of 4 stars). 9 submissions from 9 submitters: Pathogenic (1). 8 of the submissions do not count toward it. Last evaluated 2016-10-18.

Conditions:
Hereditary cancer-predisposing syndrome. Also called: Neoplastic Syndromes, Hereditary; Hereditary neoplastic syndrome; Hereditary Cancer Syndrome; Tumor predisposition. Identifiers: Orphanet 140162, MedGen C0027672, MeSH D009386, MONDO:0015356.
Hereditary breast ovarian cancer syndrome. Also called: Breast and ovarian cancer; BRCA1- and BRCA2-Associated Hereditary Breast and Ovarian Cancer; Hereditary breast and ovarian cancer syndrome (HBOC); Hereditary breast and/or ovarian cancer syndrome; Hereditary breast and ovarian cancer; Hereditary breast and ovarian cancer syndrome. Identifiers: Orphanet 145, MedGen C0677776, MeSH D061325, MONDO:0003582. Disease mechanism: loss of function.
Breast-ovarian cancer, familial, susceptibility to, 2 (BROVCA2). Also called: BRCA2 Hereditary Breast and Ovarian Cancer. Identifiers: Orphanet 145, MedGen C2675520, MONDO:0012933, OMIM 612555. Disease mechanism: loss of function.

Submissions (9):

Evidence-based Network for the Interpretation of Germline Mutant Alleles (ENIGMA)
Classification: Pathogenic for Breast-ovarian cancer, familial, susceptibility to, 2. Last evaluated: 2016-10-18. Review status: reviewed by expert panel. Criteria: ENIGMA BRCA1/2 Classification Criteria (2015). Collection method: curation. Allele origin: germline.
Comment: Variant allele predicted to encode a truncated non-functional protein.

Dasa
Classification: Pathogenic for Breast-ovarian cancer, familial, susceptibility to, 2. Last evaluated: 2025-06-11. Review status: criteria provided, single submitter. Criteria: DASA Assertion Criteria. Collection method: clinical testing. Allele origin: germline. Not counted in ClinVar's aggregate classification.
Comment: NM_000059.4(BRCA2):c.4380_4381del (p.Ser1461Leufs*4) is a frameshift variant in BRCA2 predicted to alter the reading frame and introduce a premature termination codon and is predicted to result in an absent or altered protein product. Loss of function is an established disease mechanism for BRCA2 (PMID: 16199546; PMID: 17063271; PMID: 25632310). This variant has been recurrently observed in individuals with Breast-ovarian cancer, familial, susceptibility to, 2 (PMID: 35264596; PMID: 27836010; PMID: 24916970; PMID: 30078507). Also, this variant is rare in population databases. Based on the currently available evidence, this variant is classified as pathogenic.

Labcorp Genetics (formerly Invitae), Labcorp
Classification: Pathogenic for Hereditary breast ovarian cancer syndrome. Last evaluated: 2024-07-23. Review status: criteria provided, single submitter. Criteria: Invitae Variant Classification Sherloc (09022015). Collection method: clinical testing. Allele origin: germline. Not counted in ClinVar's aggregate classification.
Comment: This sequence change creates a premature translational stop signal (p.Ser1461Leufs*4) in the BRCA2 gene. It is expected to result in an absent or disrupted protein product. Loss-of-function variants in BRCA2 are known to be pathogenic (PMID: 20104584). This variant is not present in population databases (gnomAD no frequency). This premature translational stop signal has been observed in individual(s) with personal and/or family history of breast, ovarian, and peritoneal cancer (PMID: 16826315, 22006311, 28176296, 29084914). This variant is also known as c.4608delTT (p.Phe1460fsX4). ClinVar contains an entry for this variant (Variation ID: 51638). For these reasons, this variant has been classified as Pathogenic.

Ambry Genetics
Classification: Pathogenic for Hereditary cancer-predisposing syndrome. Last evaluated: 2023-05-10. Review status: criteria provided, single submitter. Criteria: Ambry Variant Classification Scheme 2023. Collection method: clinical testing. Allele origin: germline. Not counted in ClinVar's aggregate classification.
Comment: The c.4380_4381delTT pathogenic mutation, located in coding exon 10 of the BRCA2 gene, results from a deletion of two nucleotides at nucleotide positions 4380 to 4381, causing a translational frameshift with a predicted alternate stop codon (p.S1461Lfs*4). This alteration has been identified in individuals diagnosed with breast, ovarian and/or pancreatic cancer (Walsh T et al. Proc Natl Acad Sci U S A, 2011 Nov;108:18032-7; Rebbeck TR et al. Breast Cancer Res, 2016 Nov;18:112; Shi T et al. Int J Cancer, 2017 May;140:2051-2059; Labidi-Galy SI et al. Clin Cancer Res, 2018 Jan;24:326-333; Xiong A et al. Am J Cancer Res, 2021 Sep;11:4551-4567; Guindalini RSC et al. Sci Rep, 2022 Mar;12:4190). Of note, this alteration is also known as 4608delTT in published literature. This variant is considered to be rare based on population cohorts in the Genome Aggregation Database (gnomAD). In addition to the clinical data presented in the literature, this alteration is expected to result in loss of function by premature protein truncation or nonsense-mediated mRNA decay. As such, this alteration is interpreted as a disease-causing mutation.

Color Diagnostics, LLC DBA Color Health
Classification: Pathogenic for Hereditary cancer-predisposing syndrome. Last evaluated: 2022-11-21. Review status: criteria provided, single submitter. Criteria: ACMG Guidelines, 2015. Collection method: clinical testing. Allele origin: germline. Not counted in ClinVar's aggregate classification.
Comment: This variant deletes 2 nucleotides in exon 11 of the BRCA2 gene, creating a frameshift and premature translation stop signal. This variant is expected to result in an absent or non-functional protein product. This variant has been reported in two individuals affected with ovarian cancer (PMID: 28176296, 30078507) and has been observed in at least three suspected hereditary breast and ovarian cancer families (PMID: 24916970, 29446198). This variant has not been identified in the general population by the Genome Aggregation Database (gnomAD). Loss of BRCA2 function is a known mechanism of disease. Based on the available evidence, this variant is classified as Pathogenic.

GeneDx
Classification: Pathogenic. Last evaluated: 2022-07-20. Review status: criteria provided, single submitter. Criteria: GeneDx Variant Classification Process June 2021. Collection method: clinical testing. Allele origin: germline. Affected: yes. Not counted in ClinVar's aggregate classification.
Comment: Frameshift variant predicted to result in protein truncation or nonsense mediated decay in a gene for which loss of function is a known mechanism of disease; Not observed at significant frequency in large population cohorts (gnomAD); Truncating variants in this gene are considered pathogenic by a well-established clinical consortium and/or database; Also known as 4608_4609delTT; Identified in patients with BRCA2-related cancers (Peixoto et al., 2006; Walsh et al., 2011; Shi et al., 2017; Labidi-Galy et al., 2018; Li et al., 2018); This variant is associated with the following publications: (PMID: 23315985, 22006311, 16826315, 29084914, 31825140, 30702160, 30078507, 28176296)

Mendelics
Classification: Pathogenic for Hereditary breast and ovarian cancer syndrome. Last evaluated: 2018-07-02. Review status: criteria provided, single submitter. Criteria: Mendelics Assertion Criteria 2017. Collection method: clinical testing. Allele origin: unknown. Not counted in ClinVar's aggregate classification.

Consortium of Investigators of Modifiers of BRCA1/2 (CIMBA), c/o University of Cambridge
Classification: Pathogenic for Breast-ovarian cancer, familial, susceptibility to, 2. Last evaluated: 2015-10-02. Review status: criteria provided, single submitter. Criteria: CIMBA Mutation Classification guidelines May 2016. Collection method: clinical testing. Allele origin: germline. Not counted in ClinVar's aggregate classification.

Quest Diagnostics Nichols Institute San Juan Capistrano
Classification: Pathogenic for Breast-ovarian cancer, familial, susceptibility to, 2. Last evaluated: 2015-08-14. Review status: criteria provided, single submitter. Criteria: Quest Diagnostics criteria. Collection method: clinical testing. Allele origin: germline. Inheritance: Autosomal dominant inheritance. Not counted in ClinVar's aggregate classification.

Literature cited by the submitters: PubMed 35264596 (cited by Dasa and Ambry Genetics); PubMed 27836010 (cited by Dasa and Ambry Genetics); PubMed 22006311 (cited by 4 submitters); PubMed 24916970 (cited by Dasa and Color Diagnostics, LLC DBA Color Health); PubMed 30078507 (cited by Dasa and Color Diagnostics, LLC DBA Color Health); PubMed 34659905 (cited by Dasa and Ambry Genetics); PubMed 16199546 (cited by Dasa); PubMed 17063271 (cited by Dasa); PubMed 25632310 (cited by Dasa); PubMed 20104584 (cited by Labcorp Genetics (formerly Invitae), Labcorp); PubMed 16826315 (cited by Labcorp Genetics (formerly Invitae), Labcorp and Quest Diagnostics Nichols Institute San Juan Capistrano); PubMed 28176296 (cited by 3 submitters); PubMed 29084914 (cited by Labcorp Genetics (formerly Invitae), Labcorp and Ambry Genetics); PubMed 29446198 (cited by Color Diagnostics, LLC DBA Color Health); PubMed 26295337 (cited by Quest Diagnostics Nichols Institute San Juan Capistrano).